The following is an entry in ClinVar:

NM_152594.3(SPRED1):c.*4471C>A

Gene: SPRED1 (sprouty related EVH1 domain containing 1; plus strand). Cytogenetic location: 15q14.
Variant type: single nucleotide variant.
Coding change: c.*4471C>A on transcript NM_152594.3 (MANE Select); 4471 bases downstream of the stop codon, C replaced by A.
Molecular consequence: 3 prime UTR variant.
Genome position (GRCh38, 1-based): chr15:38,356,135, C>A. VCF-style: chr15-38356135-C-A. GRCh37 (hg19) VCF-style: chr15-38648336-C-A.
Identifiers: ClinVar variation 887266 (VCV000887266.28), dbSNP rs574232846, ClinGen allele CA269293913.

ClinVar aggregate classification (germline): Conflicting classifications of pathogenicity. Review status: criteria provided, conflicting classifications (1 of 4 stars). 2 submissions from 2 submitters: Uncertain significance (1); Likely benign (1). Last evaluated 2023-04-01.

Conditions:
Legius syndrome. Identifiers: Orphanet 137605, MedGen C1969623, MONDO:0012669, OMIM 611431. Disease mechanism: loss of function.

Allele frequency attached by ClinVar (database versions not stated): 1000 Genomes Project 30x 0.00016; 1000 Genomes Project 0.00020; gnomAD 0.00070 and 0.00071; TOPMed 0.00076.

Submissions (2):

CeGaT Center for Human Genetics Tuebingen
Classification: Likely benign. Last evaluated: 2023-04-01. Review status: criteria provided, single submitter. Criteria: CeGaT Center For Human Genetics Tuebingen Variant Classification Criteria Version 2. Collection method: clinical testing. Allele origin: germline. Affected: yes. Observed: 3 variant alleles.
Comment: SPRED1: BS1

Illumina Laboratory Services, Illumina
Classification: Uncertain significance for Legius syndrome. Last evaluated: 2018-01-12. Review status: criteria provided, single submitter. Criteria: ICSL Variant Classification Criteria 13 December 2019. Collection method: clinical testing. Allele origin: germline.